The following is an entry in ClinVar:

ClinVar aggregate classification (germline): Pathogenic (1 of 4 stars; one submission).

Conditions:
GTP cyclohydrolase I deficiency. Identifiers: MedGen C0268467, MONDO:0100184.
Dystonia 5 (DRD). Also called: DYSTONIA, PROGRESSIVE, WITH DIURNAL VARIATION; DYSTONIA-PARKINSONISM WITH DIURNAL FLUCTUATION; Dystonia, DOPA-responsive, with or without hyperphenylalaninemia; GTP Cyclohydrolase 1-Deficient Dopa-Responsive Dystonia; DYT-GCH1. Identifiers: Orphanet 98808, MedGen C1851920, MONDO:0007495, OMIM 128230.

Submission:

Labcorp Genetics (formerly Invitae), Labcorp
Classification: Pathogenic for GTP cyclohydrolase I deficiency; Dystonia 5. Last evaluated: 2024-11-26. Review status: criteria provided, single submitter. Criteria: Invitae Variant Classification Sherloc (09022015). Collection method: clinical testing. Allele origin: germline.
Comment: This sequence change creates a premature translational stop signal (p.Ser81*) in the GCH1 gene. It is expected to result in an absent or disrupted protein product. Loss-of-function variants in GCH1 are known to be pathogenic (PMID: 9667588, 19332422, 19491146, 25557619). This variant is not present in population databases (gnomAD no frequency). This premature translational stop signal has been observed in individual(s) with dystonia (PMID: 19491146). For these reasons, this variant has been classified as Pathogenic.

Literature cited by the submitters: PubMed 9667588; PubMed 19332422; PubMed 19491146; PubMed 25557619.

NM_000161.3(GCH1):c.242C>A (p.Ser81Ter)

Gene: GCH1 (GTP cyclohydrolase 1; minus strand). Cytogenetic location: 14q22.2.
Variant type: single nucleotide variant.
Coding change: c.242C>A on transcript NM_000161.3 (MANE Select); coding-DNA position 242, C replaced by A.
Protein change: p.Ser81Ter; replaces serine 81 with a stop codon.
Molecular consequence: nonsense.
Genome position (GRCh38, 1-based): chr14:54,902,422, G>T on the plus strand (C>A on the coding strand, the complement: GCH1 is on the minus strand). VCF-style: chr14-54902422-G-T. GRCh37 (hg19) VCF-style: chr14-55369140-G-T.
Other names: c.242C>A, p.Ser81Ter (NM_001024024.2, NM_001024070.2, NM_001024071.2 and 1 more transcripts); short protein forms S81*.
Identifiers: ClinVar variation 3759245 (VCV003759245.2).